The following is an entry in ClinVar:

ClinVar aggregate classification (germline): Benign. Review status: criteria provided, multiple submitters, no conflicts (2 of 4 stars). 2 submissions from 2 submitters: Benign (2). Last evaluated 2018-06-16.

Allele frequency attached by ClinVar (database versions not stated): gnomAD exomes 0.04451 and 0.05584; ExAC 0.08616; gnomAD 0.12689 and 0.13487; 1000 Genomes Project 0.12879; 1000 Genomes Project 30x 0.13835; TOPMed 0.13937.
gnomAD v4.1: 47,578 of 782,178 alleles (6.1%); highest among the groups gnomAD compares: African/African-American, 36%; 4,395 homozygotes.

Submissions (2):

GeneDx
Classification: Benign. Last evaluated: 2018-06-16. Review status: criteria provided, single submitter. Criteria: GeneDx Variant Classification (06012015). Collection method: clinical testing. Allele origin: germline. Affected: yes.
Comment: This variant is considered likely benign or benign based on one or more of the following criteria: it is a conservative change, it occurs at a poorly conserved position in the protein, it is predicted to be benign by multiple in silico algorithms, and/or has population frequency not consistent with disease.

Breakthrough Genomics
Classification: Benign. Review status: criteria provided, single submitter. Criteria: ACMG Guidelines, 2015. Collection method: not provided. Allele origin: germline. Inheritance: Autosomal recessive inheritance. Affected: yes.

NM_203447.4(DOCK8):c.1797+154T>C

Gene: DOCK8 (dedicator of cytokinesis 8; plus strand). Cytogenetic location: 9p24.3.
Variant type: single nucleotide variant.
Coding change: c.1797+154T>C on transcript NM_203447.4 (MANE Select); 154 bases into the intron after coding-DNA position 1797, T replaced by C.
Molecular consequence: intron variant.
Genome position (GRCh38, 1-based): chr9:368,289, T>C. VCF-style: chr9-368289-T-C. GRCh37 (hg19) VCF-style: chr9-368289-T-C.
Other names: c.1593+154T>C (NM_001193536.2, NM_001190458.2).
Identifiers: ClinVar variation 676819 (VCV000676819.2), dbSNP rs12115599, ClinGen allele CA4957924.